The following is an entry in ClinVar:

ClinVar aggregate classification (germline): Uncertain significance (1 of 4 stars; one submission).

Submission:

Labcorp Genetics (formerly Invitae), Labcorp
Classification: Uncertain significance. Last evaluated: 2024-11-28. Review status: criteria provided, single submitter. Criteria: Invitae Variant Classification Sherloc (09022015). Collection method: clinical testing. Allele origin: germline.
Comment: This sequence change affects an acceptor splice site in intron 24 of the HYOU1 gene. It is expected to disrupt RNA splicing. Variants that disrupt the donor or acceptor splice site typically lead to a loss of protein function (PMID: 16199547), however the current clinical and genetic evidence is not sufficient to establish whether loss-of-function variants in HYOU1 cause disease. This variant is not present in population databases (gnomAD no frequency). This variant has not been reported in the literature in individuals affected with HYOU1-related conditions. Algorithms developed to predict the effect of sequence changes on RNA splicing suggest that this variant may disrupt the consensus splice site. In summary, the available evidence is currently insufficient to determine the role of this variant in disease. Therefore, it has been classified as a Variant of Uncertain Significance.

Literature cited by the submitters: PubMed 16199547.

NM_006389.5(HYOU1):c.2888-2A>G

Gene: HYOU1 (hypoxia up-regulated 1; minus strand). Cytogenetic location: 11q23.3.
Variant type: single nucleotide variant.
Coding change: c.2888-2A>G on transcript NM_006389.5 (MANE Select); the canonical splice acceptor site of the intron before coding-DNA position 2888, A replaced by G.
Molecular consequence: splice acceptor variant. On other transcripts: synonymous variant (1).
Genome position (GRCh38, 1-based): chr11:119,045,833, T>C on the plus strand (A>G on the coding strand, the complement: HYOU1 is on the minus strand). VCF-style: chr11-119045833-T-C. GRCh37 (hg19) VCF-style: chr11-118916545-T-C.
Other names: c.2889A>G, p.Ala963= (NM_001411041.1); c.2888-2A>G (NM_001130991.3).
Identifiers: ClinVar variation 3679314 (VCV003679314.2).